The following is an entry in ClinVar:

NM_001103.4(ACTN2):c.2614C>G (p.Pro872Ala)

Gene: ACTN2 (actinin alpha 2; plus strand). Cytogenetic location: 1q43.
Variant type: single nucleotide variant.
Coding change: c.2614C>G on transcript NM_001103.4 (MANE Select); coding-DNA position 2614, C replaced by G.
Protein change: p.Pro872Ala; replaces proline 872 with alanine.
Molecular consequence: missense variant.
Genome position (GRCh38, 1-based): chr1:236,762,548, C>G. VCF-style: chr1-236762548-C-G. GRCh37 (hg19) VCF-style: chr1-236925848-C-G.
Other names: c.2614C>G, p.Pro872Ala (NM_001278343.2); c.1990C>G, p.Pro664Ala (NM_001278344.2); c.1864C>G, p.Pro622Ala (NM_001412150.1); short protein forms P664A, P622A, P872A.
Identifiers: ClinVar variation 1793842 (VCV001793842.8), dbSNP rs779407684, ClinGen allele CA345392431.

ClinVar aggregate classification (germline): Uncertain significance. Review status: criteria provided, multiple submitters, no conflicts (2 of 4 stars). 2 submissions from 2 submitters: Uncertain significance (2). Last evaluated 2024-06-04.

Conditions:
Cardiovascular phenotype. Identifiers: MedGen CN230736.
Dilated cardiomyopathy 1AA (CMD1AA). Also called: CARDIOMYOPATHY, DILATED, 1AA, WITH OR WITHOUT LEFT VENTRICULAR NONCOMPACTION; CARDIOMYOPATHY, FAMILIAL HYPERTROPHIC, 23, WITH OR WITHOUT LEFT VENTRICULAR NONCOMPACTION; Cardiomyopathy, dilated, 1AA, with or without LVNC. Identifiers: Orphanet 154, MedGen C2677338, MONDO:0012808, OMIM 612158.
Primary familial hypertrophic cardiomyopathy (HCM). Identifiers: Orphanet 99739, MedGen C0949658, MeSH D024741, MONDO:0024573. Inheritance: Various modes of inheritance.

Allele frequency attached by ClinVar (database versions not stated): gnomAD 0.00001.
gnomAD v4.1: 10 of 1,614,020 alleles (0.00062%); highest among the groups gnomAD compares: East Asian, 0.0045%; no homozygotes.

Submissions (2):

Ambry Genetics
Classification: Uncertain significance for Cardiovascular phenotype. Last evaluated: 2024-06-04. Review status: criteria provided, single submitter. Criteria: Ambry Variant Classification Scheme 2023. Collection method: clinical testing. Allele origin: germline.
Comment: The p.P872A variant (also known as c.2614C>G), located in coding exon 21 of the ACTN2 gene, results from a C to G substitution at nucleotide position 2614. The proline at codon 872 is replaced by alanine, an amino acid with highly similar properties. This amino acid position is conserved. In addition, the in silico prediction for this alteration is inconclusive. Since supporting evidence is limited at this time, the clinical significance of this alteration remains unclear.

Labcorp Genetics (formerly Invitae), Labcorp
Classification: Uncertain significance for Primary familial hypertrophic cardiomyopathy; Dilated cardiomyopathy 1AA. Last evaluated: 2022-10-05. Review status: criteria provided, single submitter. Criteria: Invitae Variant Classification Sherloc (09022015). Collection method: clinical testing. Allele origin: germline.
Comment: This sequence change replaces proline, which is neutral and non-polar, with alanine, which is neutral and non-polar, at codon 872 of the ACTN2 protein (p.Pro872Ala). In summary, the available evidence is currently insufficient to determine the role of this variant in disease. Therefore, it has been classified as a Variant of Uncertain Significance. Algorithms developed to predict the effect of missense changes on protein structure and function are either unavailable or do not agree on the potential impact of this missense change (SIFT: "Deleterious"; PolyPhen-2: "Benign"; Align-GVGD: "Class C25"). This variant has not been reported in the literature in individuals affected with ACTN2-related conditions. This variant is present in population databases (no rsID available, gnomAD 0.01%).